The following is an entry in ClinVar:

ClinVar aggregate classification (germline): Uncertain significance (1 of 4 stars; one submission).

Submission:

Labcorp Genetics (formerly Invitae), Labcorp
Classification: Uncertain significance. Last evaluated: 2022-12-06. Review status: criteria provided, single submitter. Criteria: Invitae Variant Classification Sherloc (09022015). Collection method: clinical testing. Allele origin: germline.
Comment: In summary, the available evidence is currently insufficient to determine the role of this variant in disease. Therefore, it has been classified as a Variant of Uncertain Significance. Advanced modeling of protein sequence and biophysical properties (such as structural, functional, and spatial information, amino acid conservation, physicochemical variation, residue mobility, and thermodynamic stability) performed at Invitae indicates that this missense variant is not expected to disrupt ASAH1 protein function. ClinVar contains an entry for this variant (Variation ID: 1486819). This variant has not been reported in the literature in individuals affected with ASAH1-related conditions. This variant is not present in population databases (gnomAD no frequency). This sequence change replaces lysine, which is basic and polar, with methionine, which is neutral and non-polar, at codon 243 of the ASAH1 protein (p.Lys243Met).

NM_177924.5(ASAH1):c.728A>T (p.Lys243Met)

Gene: ASAH1 (N-acylsphingosine amidohydrolase 1; minus strand). Cytogenetic location: 8p22.
Variant type: single nucleotide variant.
Coding change: c.728A>T on transcript NM_177924.5 (MANE Select); coding-DNA position 728, A replaced by T.
Protein change: p.Lys243Met; replaces lysine 243 with methionine.
Molecular consequence: missense variant.
Genome position (GRCh38, 1-based): chr8:18,061,434, T>A on the plus strand (A>T on the coding strand, the complement: ASAH1 is on the minus strand). VCF-style: chr8-18061434-T-A. GRCh37 (hg19) VCF-style: chr8-17918943-T-A.
Other names: c.710A>T, p.Lys237Met (NM_001127505.3); c.533A>T, p.Lys178Met (NM_001363743.2); c.776A>T, p.Lys259Met (NM_004315.6); short protein forms K243M, K259M, K178M, K237M.
Identifiers: ClinVar variation 1486819 (VCV001486819.8), dbSNP rs1007990060, ClinGen allele CA173141483.
Genomic context (GRCh38, chr8:18,061,434, plus strand): 5'-TACCTTGTGCTATTTTCCAGAACTGTTCTAGTGAGGAACCCTATCCACATGACATCTTTC[T>A]TTCCCAGAATCCATTCTAGAATACCTGGAAGAGATGAACACAATGTCAGGAACCGGAAGA-3'
Protein context (NP_808592.2, residues 233-253): YLGILEWILG[Lys243Met]KDVMWIGFLT